The following is an entry in ClinVar:

ClinVar aggregate classification (germline): Uncertain significance. Review status: criteria provided, multiple submitters, no conflicts (2 of 4 stars). 3 submissions from 3 submitters: Uncertain significance (3). Last evaluated 2023-12-08.

Conditions:
Donnai-Barrow syndrome. Also called: DBS/FOAR SYNDROME; FACIOOCULOACOUSTICORENAL SYNDROME. Identifiers: Orphanet 2143, MedGen C1857277, MONDO:0009104, OMIM 222448.
Inborn genetic diseases. Identifiers: MedGen C0950123, MeSH D030342.

Allele frequency attached by ClinVar (database versions not stated): TOPMed below 0.00001; gnomAD exomes 0.00001 and 0.00002; ExAC 0.00002.
gnomAD v4.1: 5 of 1,614,144 alleles (0.00031%); highest among the groups gnomAD compares: East Asian, 0.011%; no homozygotes.

Submissions (3):

Ambry Genetics
Classification: Uncertain significance for Inborn genetic diseases. Last evaluated: 2023-12-08. Review status: criteria provided, single submitter. Criteria: Ambry Variant Classification Scheme 2023. Collection method: clinical testing. Allele origin: germline.

Labcorp Genetics (formerly Invitae), Labcorp
Classification: Uncertain significance. Last evaluated: 2022-07-26. Review status: criteria provided, single submitter. Criteria: Invitae Variant Classification Sherloc (09022015). Collection method: clinical testing. Allele origin: germline.
Comment: This sequence change replaces aspartic acid, which is acidic and polar, with valine, which is neutral and non-polar, at codon 4640 of the LRP2 protein (p.Asp4640Val). This variant is present in population databases (rs760457856, gnomAD 0.03%). This variant has not been reported in the literature in individuals affected with LRP2-related conditions. ClinVar contains an entry for this variant (Variation ID: 1393607). Advanced modeling of protein sequence and biophysical properties (such as structural, functional, and spatial information, amino acid conservation, physicochemical variation, residue mobility, and thermodynamic stability) performed at Invitae indicates that this missense variant is expected to disrupt LRP2 protein function. In summary, the available evidence is currently insufficient to determine the role of this variant in disease. Therefore, it has been classified as a Variant of Uncertain Significance.

Fulgent Genetics
Classification: Uncertain significance for Donnai-Barrow syndrome. Last evaluated: 2022-01-07. Review status: criteria provided, single submitter. Criteria: ACMG Guidelines, 2015. Collection method: clinical testing. Allele origin: unknown.

NM_004525.3(LRP2):c.13919A>T (p.Asp4640Val)

Gene: LRP2 (LDL receptor related protein 2; minus strand). Cytogenetic location: 2q31.1.
Variant type: single nucleotide variant.
Coding change: c.13919A>T on transcript NM_004525.3 (MANE Select); coding-DNA position 13919, A replaced by T.
Protein change: p.Asp4640Val; replaces aspartic acid 4640 with valine.
Molecular consequence: missense variant.
Genome position (GRCh38, 1-based): chr2:169,128,712, T>A on the plus strand (A>T on the coding strand, the complement: LRP2 is on the minus strand). VCF-style: chr2-169128712-T-A. GRCh37 (hg19) VCF-style: chr2-169985222-T-A.
Other names: c.13919A>T (NM_004525.2); short protein forms D4640V.
Identifiers: ClinVar variation 1393607 (VCV001393607.5), dbSNP rs760457856, ClinGen allele CA1952384.
Genomic context (GRCh38, chr2:169,128,712, plus strand): 5'-AGCTGGTATAGCTATACTTCAGAGTCTTCTTTAACAAGATTTGCGGTGTCTTTAAAAGTG[T>A]CTTCTGTTGCAGAATAGGTTGGAGTTGGGTCTCTTCTCGAAGGAGGCTTAGGCTTAGCAG-3'
Protein context (NP_004516.2, residues 4630-4650): DPTPTYSATE[Asp4640Val]TFKDTANLVK